The following is an entry in ClinVar:

NM_014845.6(FIG4):c.2201A>G (p.Glu734Gly)

Gene: FIG4 (FIG4 phosphoinositide 5-phosphatase; plus strand). Cytogenetic location: 6q21.
Variant type: single nucleotide variant.
Coding change: c.2201A>G on transcript NM_014845.6 (MANE Select); coding-DNA position 2201, A replaced by G.
Protein change: p.Glu734Gly; replaces glutamic acid 734 with glycine.
Molecular consequence: missense variant.
Genome position (GRCh38, 1-based): chr6:109,791,396, A>G. VCF-style: chr6-109791396-A-G. GRCh37 (hg19) VCF-style: chr6-110112599-A-G.
Other names: short protein forms E734G.
Identifiers: ClinVar variation 2068600 (VCV002068600.4), dbSNP rs1461735591, ClinGen allele CA365215858.

ClinVar aggregate classification (germline): Uncertain significance (1 of 4 stars; one submission).

Conditions:
Charcot-Marie-Tooth disease type 4. Also called: Charcot-Marie-Tooth, Type 4; Charcot-Marie-Tooth disease, type IV. Identifiers: Orphanet 64749, MedGen C4082197, MONDO:0018995.

Allele frequency attached by ClinVar (database versions not stated): gnomAD exomes below 0.00001.

Submission:

Labcorp Genetics (formerly Invitae), Labcorp
Classification: Uncertain significance for Charcot-Marie-Tooth disease type 4. Last evaluated: 2022-01-01. Review status: criteria provided, single submitter. Criteria: Invitae Variant Classification Sherloc (09022015). Collection method: clinical testing. Allele origin: germline.
Comment: In summary, the available evidence is currently insufficient to determine the role of this variant in disease. Therefore, it has been classified as a Variant of Uncertain Significance. Algorithms developed to predict the effect of missense changes on protein structure and function (SIFT, PolyPhen-2, Align-GVGD) all suggest that this variant is likely to be tolerated. This variant has not been reported in the literature in individuals affected with FIG4-related conditions. This variant is present in population databases (no rsID available, gnomAD 0.0009%). This sequence change replaces glutamic acid, which is acidic and polar, with glycine, which is neutral and non-polar, at codon 734 of the FIG4 protein (p.Glu734Gly).